The following is an entry in ClinVar:

NM_006231.4(POLE):c.5241C>A (p.Asp1747Glu)

Gene: POLE (DNA polymerase epsilon, catalytic subunit; minus strand). Cytogenetic location: 12q24.33.
Variant type: single nucleotide variant.
Coding change: c.5241C>A on transcript NM_006231.4 (MANE Select); coding-DNA position 5241, C replaced by A.
Protein change: p.Asp1747Glu; replaces aspartic acid 1747 with glutamic acid.
Molecular consequence: missense variant.
Genome position (GRCh38, 1-based): chr12:132,641,784, G>T on the plus strand (C>A on the coding strand, the complement: POLE is on the minus strand). VCF-style: chr12-132641784-G-T. GRCh37 (hg19) VCF-style: chr12-133218370-G-T.
Other names: short protein forms D1747E.
Identifiers: ClinVar variation 1024463 (VCV001024463.8), dbSNP rs2042149604, ClinGen allele CA387376362.

ClinVar aggregate classification (germline): Uncertain significance (1 of 4 stars; one submission).

Submission:

Labcorp Genetics (formerly Invitae), Labcorp
Classification: Uncertain significance. Last evaluated: 2020-07-13. Review status: criteria provided, single submitter. Criteria: Invitae Variant Classification Sherloc (09022015). Collection method: clinical testing. Allele origin: germline.
Comment: In summary, the available evidence is currently insufficient to determine the role of this variant in disease. Therefore, it has been classified as a Variant of Uncertain Significance. Algorithms developed to predict the effect of missense changes on protein structure and function (SIFT, PolyPhen-2, Align-GVGD) all suggest that this variant is likely to be tolerated, but these predictions have not been confirmed by published functional studies and their clinical significance is uncertain. This variant has not been reported in the literature in individuals with POLE-related conditions. This variant is not present in population databases (ExAC no frequency). This sequence change replaces aspartic acid with glutamic acid at codon 1747 of the POLE protein (p.Asp1747Glu). The aspartic acid residue is highly conserved and there is a small physicochemical difference between aspartic acid and glutamic acid.